The following is an entry in ClinVar:

NM_001371533.1(FUT8):c.287A>G (p.Gln96Arg)

Gene: FUT8 (fucosyltransferase 8; plus strand). Cytogenetic location: 14q23.3.
Variant type: single nucleotide variant.
Coding change: c.287A>G on transcript NM_001371533.1 (MANE Select); coding-DNA position 287, A replaced by G.
Protein change: p.Gln96Arg; replaces glutamine 96 with arginine.
Molecular consequence: missense variant. On other transcripts: 5 prime UTR variant (1), non-coding transcript variant (1).
Genome position (GRCh38, 1-based): chr14:65,616,061, A>G. VCF-style: chr14-65616061-A-G. GRCh37 (hg19) VCF-style: chr14-66082779-A-G.
Other names: c.287A>G, p.Gln96Arg (NM_001371534.1, NM_001371536.1, NM_178155.3 and 1 more transcripts); c.-203A>G (NM_004480.4); c.287A>G (NM_178155.2); short protein forms Q96R.
Identifiers: ClinVar variation 1600118 (VCV001600118.10), dbSNP rs558545418, ClinGen allele CA7233165.
Genomic context (GRCh38, chr14:65,616,061, plus strand): 5'-AGGGGCCAGCTATAGGAAGAGTACGCGTTTTAGAAGAGCAGCTTGTTAAGGCCAAAGAAC[A>G]GATTGAAAATTACAAGAAACAGACCAGAAATGGTAGGTGATTATACAGTGTTTTCCCCTC-3'
Protein context (NP_001358462.1, residues 86-106): LEEQLVKAKE[Gln96Arg]IENYKKQTRN

ClinVar aggregate classification (germline): Benign. Review status: criteria provided, single submitter (1 of 4 stars). 2 submissions from 2 submitters: Benign (1). 1 of the submissions does not count toward it. Last evaluated 2026-01-19.

Conditions:
FUT8-related disorder. Also called: FUT8-related condition.

Allele frequency attached by ClinVar (database versions not stated): gnomAD 0.00009; TOPMed 0.00033; ExAC 0.00065; gnomAD exomes 0.00075.
gnomAD v4.1: 224 of 1,613,910 alleles (0.014%); highest among the groups gnomAD compares: Admixed American, 0.37%; 3 homozygotes.

Submissions (2):

Labcorp Genetics (formerly Invitae), Labcorp
Classification: Benign. Last evaluated: 2026-01-19. Review status: criteria provided, single submitter. Criteria: Invitae Variant Classification Sherloc (09022015). Collection method: clinical testing. Allele origin: germline.

PreventionGenetics, part of Exact Sciences
Classification: Likely benign for FUT8-related condition. Last evaluated: 2020-03-03. Review status: no assertion criteria provided. Collection method: clinical testing. Allele origin: germline. Not counted in ClinVar's aggregate classification.
Comment: This variant is classified as likely benign based on ACMG/AMP sequence variant interpretation guidelines (Richards et al. 2015 PMID: 25741868, with internal and published modifications).